The following is an entry in ClinVar:

ClinVar aggregate classification (germline): Conflicting classifications of pathogenicity. Review status: criteria provided, conflicting classifications (1 of 4 stars). 18 submissions from 16 submitters: Uncertain significance (2); Benign (2); Likely benign (7). 7 of the submissions do not count toward it. Last evaluated 2026-01-17.

Conditions:
MYH7-related disorder. Also called: MYH7-related disorders; MYH7-related condition; MYH7-related disease.
Myosin storage myopathy (CMYO7A). Also called: MYOPATHY WITH LYSIS OF TYPE I MYOFIBRILS; MYOPATHY, HYALINE BODY, AUTOSOMAL DOMINANT; MYH7-related late-onset scapuloperoneal muscular dystrophy; Congenital myopathy 7A, myosin storage, autosomal dominant; SCAPULOPERONEAL MUSCULAR DYSTROPHY; SCAPULOPERONEAL SYNDROME, MYOPATHIC TYPE. Identifiers: Orphanet 437572, Orphanet 636965, MedGen C1842160, MONDO:0008409, OMIM 608358.
Cardiovascular phenotype. Identifiers: MedGen CN230736.
Cardiomyopathy (CMYO). Also called: Cardiomyopathies. Identifiers: Orphanet 167848, MedGen C0878544, MONDO:0004994, HP:0001638. Inheritance: Various modes of inheritance.
Hypertrophic cardiomyopathy 1 (CMH1). Also called: MYH7-Related Familial Hypertrophic Cardiomyopathy; Familial hypertrophic cardiomyopathy 1. Identifiers: MedGen C3495498, MONDO:0008647, OMIM 192600.
MYH7-related skeletal myopathy. Also called: Myopathy, distal, 1; Laing distal myopathy; Laing early-onset distal myopathy; MYOPATHY, DISTAL, EARLY-ONSET, AUTOSOMAL DOMINANT; MYOPATHY, LATE DISTAL HEREDITARY. Identifiers: Orphanet 59135, MedGen C4552004, MONDO:0008050, OMIM 160500.
Hypertrophic cardiomyopathy. Also called: HYPERTROPHIC MYOCARDIOPATHY. Identifiers: Orphanet 217569, MedGen C0007194, MeSH D002312, MONDO:0005045, HP:0001639.

Allele frequency attached by ClinVar (database versions not stated): ESP Exome Variant Server 0.00008; TOPMed 0.00025; gnomAD 0.00032.

Submissions (18):

Labcorp Genetics (formerly Invitae), Labcorp
Classification: Likely benign for Hypertrophic cardiomyopathy. Last evaluated: 2026-01-17. Review status: criteria provided, single submitter. Criteria: Invitae Variant Classification Sherloc (09022015). Collection method: clinical testing. Allele origin: germline.

Blueprint Genetics
Classification: Likely benign. Last evaluated: 2024-11-06. Review status: criteria provided, single submitter. Criteria: ACMG Guidelines, 2015. Collection method: clinical testing. Allele origin: germline.

CHEO Genetics Diagnostic Laboratory, Children's Hospital of Eastern Ontario
Classification: Likely benign for Cardiomyopathy. Last evaluated: 2020-06-12. Review status: criteria provided, single submitter. Criteria: ACMG Guidelines, 2015. Collection method: clinical testing. Allele origin: germline.

Color Diagnostics, LLC DBA Color Health
Classification: Likely benign for Cardiomyopathy. Last evaluated: 2018-11-27. Review status: criteria provided, single submitter. Criteria: ACMG Guidelines, 2015. Collection method: clinical testing. Allele origin: germline.

Women's Health and Genetics/Laboratory Corporation of America, LabCorp
Classification: Likely benign. Last evaluated: 2018-10-29. Review status: criteria provided, single submitter. Criteria: LabCorp Variant Classification Summary - May 2015. Collection method: clinical testing. Allele origin: germline.
Comment: Variant summary: MYH7 c.4188G>A alters a non-conserved nucleotide resulting in a synonymous change. 5/5 computational tools predict no significant impact on normal splicing. However, these predictions have yet to be confirmed by functional studies. The variant allele was found at a frequency of 0.00018 in 277142 control chromosomes. This frequency is not higher than expected for a pathogenic variant in MYH7 causing Cardiomyopathy (0.00018 vs 0.0013), allowing no conclusion about variant significance. Predominantly missense variants have been reported in patients with MYH7-related myopathic disease. To our knowledge, no occurrence of c.4188G>A in individuals affected with Cardiomyopathy and no experimental evidence demonstrating its impact on protein function have been reported. Three clinical diagnostic laboratories have submitted clinical-significance assessments for this variant to ClinVar after 2014 without evidence for independent evaluation. Based on the evidence outlined above, the variant was classified as likely benign.

Illumina Laboratory Services, Illumina
Classification: Uncertain significance for Myosin storage myopathy. Last evaluated: 2018-01-13. Review status: criteria provided, single submitter. Criteria: ICSL Variant Classification Criteria 13 December 2019. Collection method: clinical testing. Allele origin: germline.

Illumina Laboratory Services, Illumina
Classification: Uncertain significance for Hypertrophic cardiomyopathy 1. Last evaluated: 2018-01-13. Review status: criteria provided, single submitter. Criteria: ICSL Variant Classification Criteria 13 December 2019. Collection method: clinical testing. Allele origin: germline.

Illumina Laboratory Services, Illumina
Classification: Benign for MYH7-related skeletal myopathy. Last evaluated: 2018-01-13. Review status: criteria provided, single submitter. Criteria: ICSL Variant Classification Criteria 13 December 2019. Collection method: clinical testing. Allele origin: germline.
Comment: This variant was observed in the ICSL laboratory as part of a predisposition screen in an ostensibly healthy population. It had not been previously curated by ICSL or reported in the Human Gene Mutation Database (HGMD: prior to June 1st, 2018), and was therefore a candidate for classification through an automated scoring system. Utilizing variant allele frequency, disease prevalence and penetrance estimates, and inheritance mode, an automated score was calculated to assess if this variant is too frequent to cause the disease. Based on the score and internal cut-off values, a variant classified as benign is not then subjected to further curation. The score for this variant resulted in a classification of benign for this disease.

Ambry Genetics
Classification: Likely benign for Cardiovascular phenotype. Last evaluated: 2017-11-03. Review status: criteria provided, single submitter. Criteria: Ambry Variant Classification Scheme 2023. Collection method: clinical testing. Allele origin: germline.

GeneDx
Classification: Benign. Last evaluated: 2013-03-13. Review status: criteria provided, single submitter. Criteria: GeneDx Variant Classification (06012015). Collection method: clinical testing. Allele origin: germline. Affected: yes.
Comment: This variant is considered likely benign or benign based on one or more of the following criteria: it is a conservative change, it occurs at a poorly conserved position in the protein, it is predicted to be benign by multiple in silico algorithms, and/or has population frequency not consistent with disease.

Laboratory for Molecular Medicine, Mass General Brigham Personalized Medicine
Classification: Likely benign. Last evaluated: 2009-02-06. Review status: criteria provided, single submitter. Criteria: LMM Criteria. Collection method: clinical testing. Allele origin: germline. Observed: 2 variant alleles.

PreventionGenetics, part of Exact Sciences
Classification: Likely benign for MYH7-related condition. Last evaluated: 2019-05-22. Review status: no assertion criteria provided. Collection method: clinical testing. Allele origin: germline. Not counted in ClinVar's aggregate classification.
Comment: This variant is classified as likely benign based on ACMG/AMP sequence variant interpretation guidelines (Richards et al. 2015 PMID: 25741868, with internal and published modifications).

Clinical Genetics DNA and cytogenetics Diagnostics Lab, Erasmus MC, Erasmus Medical Center
Classification: Likely benign. Review status: no assertion criteria provided. Collection method: clinical testing. Allele origin: germline. Affected: yes. Study: VKGL Data-share Consensus. Not counted in ClinVar's aggregate classification.

Clinical Genetics, Academic Medical Center
Classification: Benign. Review status: no assertion criteria provided. Collection method: clinical testing. Allele origin: germline. Affected: yes. Study: VKGL Data-share Consensus. Not counted in ClinVar's aggregate classification.

Diagnostic Laboratory, Department of Genetics, University Medical Center Groningen
Classification: Likely benign. Review status: no assertion criteria provided. Collection method: clinical testing. Allele origin: germline. Affected: yes. Study: VKGL Data-share Consensus. Not counted in ClinVar's aggregate classification.

Genome Diagnostics Laboratory, University Medical Center Utrecht
Classification: Likely benign. Review status: no assertion criteria provided. Collection method: clinical testing. Allele origin: germline. Affected: yes. Study: VKGL Data-share Consensus. Not counted in ClinVar's aggregate classification.

Joint Genome Diagnostic Labs from Nijmegen and Maastricht, Radboudumc and MUMC+
Classification: Likely benign. Review status: no assertion criteria provided. Collection method: clinical testing. Allele origin: germline. Affected: yes. Study: VKGL Data-share Consensus. Not counted in ClinVar's aggregate classification.

Laboratory of Diagnostic Genome Analysis, Leiden University Medical Center (LUMC)
Classification: Likely benign. Review status: no assertion criteria provided. Collection method: clinical testing. Allele origin: germline. Affected: yes. Study: VKGL Data-share Consensus. Not counted in ClinVar's aggregate classification.

NM_000257.4(MYH7):c.4188G>A (p.Arg1396=)

Gene: MYH7 (myosin heavy chain 7; minus strand). Cytogenetic location: 14q11.2.
Variant type: single nucleotide variant.
Coding change: c.4188G>A on transcript NM_000257.4 (MANE Select); coding-DNA position 4188, G replaced by A.
Protein change: p.Arg1396=; no amino-acid change (arginine 1396 retained).
Molecular consequence: synonymous variant.
Genome position (GRCh38, 1-based): chr14:23,417,668, C>T on the plus strand (G>A on the coding strand, the complement: MYH7 is on the minus strand). VCF-style: chr14-23417668-C-T. GRCh37 (hg19) VCF-style: chr14-23886877-C-T.
Other names: p.R1396R:CGG>CGA.
Identifiers: ClinVar variation 42995 (VCV000042995.40), dbSNP rs200852418, ClinGen allele CA014595.